The following is an entry in ClinVar:

NM_001256545.2(MEGF10):c.1910C>A (p.Pro637His)

Gene: MEGF10 (multiple EGF like domains 10; plus strand). Cytogenetic location: 5q23.2.
Variant type: single nucleotide variant.
Coding change: c.1910C>A on transcript NM_001256545.2 (MANE Select); coding-DNA position 1910, C replaced by A.
Protein change: p.Pro637His; replaces proline 637 with histidine.
Molecular consequence: missense variant.
Genome position (GRCh38, 1-based): chr5:127,434,756, C>A. VCF-style: chr5-127434756-C-A. GRCh37 (hg19) VCF-style: chr5-126770448-C-A.
Other names: c.1910C>A, p.Pro637His (NM_032446.3); short protein forms P637H.
Identifiers: ClinVar variation 1057287 (VCV001057287.7), dbSNP rs1580866586, ClinGen allele CA360732306.
Genomic context (GRCh38, chr5:127,434,756, plus strand): 5'-CTGGTTTTTATGGGCATCGCTGCAGCCAGACATGCCCACAGTGCGTTCACAGCAGCGGGC[C>A]CTGCCACCACATCACCGGCCTGTGTGACTGCTTGCCTGGCTTCACAGGCGCCCTCTGCAA-3'
Protein context (NP_001243474.1, residues 627-647): TCPQCVHSSG[Pro637His]CHHITGLCDC

ClinVar aggregate classification (germline): Uncertain significance (1 of 4 stars; one submission).

Conditions:
MEGF10-related myopathy (CMYO10A). Also called: Congenital myopathy 10A, severe variant. Identifiers: Orphanet 439212, MedGen C3280679, MONDO:0013731, OMIM 614399.

Allele frequency attached by ClinVar (database versions not stated): TOPMed below 0.00001.

Submission:

Labcorp Genetics (formerly Invitae), Labcorp
Classification: Uncertain significance for MEGF10-related myopathy. Last evaluated: 2020-08-01. Review status: criteria provided, single submitter. Criteria: Invitae Variant Classification Sherloc (09022015). Collection method: clinical testing. Allele origin: germline.
Comment: This variant has not been reported in the literature in individuals with MEGF10-related conditions. Algorithms developed to predict the effect of missense changes on protein structure and function (SIFT, PolyPhen-2, Align-GVGD) all suggest that this variant is likely to be disruptive, but these predictions have not been confirmed by published functional studies and their clinical significance is uncertain. In summary, the available evidence is currently insufficient to determine the role of this variant in disease. Therefore, it has been classified as a Variant of Uncertain Significance. This variant is not present in population databases (ExAC no frequency). This sequence change replaces proline with histidine at codon 637 of the MEGF10 protein (p.Pro637His). The proline residue is highly conserved and there is a moderate physicochemical difference between proline and histidine.